The following is an entry in ClinVar:

NM_017662.5(TRPM6):c.*1160C>T

Gene: TRPM6 (transient receptor potential cation channel subfamily M member 6; minus strand). Cytogenetic location: 9q21.13.
Variant type: single nucleotide variant.
Coding change: c.*1160C>T on transcript NM_017662.5 (MANE Select); 1160 bases downstream of the stop codon, C replaced by T.
Molecular consequence: 3 prime UTR variant.
Genome position (GRCh38, 1-based): chr9:74,723,453, G>A on the plus strand (C>T on the coding strand, the complement: TRPM6 is on the minus strand). VCF-style: chr9-74723453-G-A. GRCh37 (hg19) VCF-style: chr9-77338369-G-A.
Other names: c.*1160C>T (NM_001177310.2, NM_001177311.2).
Identifiers: ClinVar variation 913247 (VCV000913247.4), dbSNP rs563649179, ClinGen allele CA193286642.
Genomic context (GRCh38, chr9:74,723,453, plus strand): 5'-GGTGTTTTACAGGTTGAGTTAGTCAACTCCTAACTAATAGTACCCCTGAGCTTTAAGGAA[G>A]GGAAACCCTTTCTTAATGATTTCCAGTTCTTCATATTCTTGTTCTCGTTTAAAAAAAAAA-3'

ClinVar aggregate classification (germline): Likely benign (1 of 4 stars; one submission).

Conditions:
Intestinal hypomagnesemia 1. Also called: HYPOMAGNESEMIA, INTESTINAL, WITH SECONDARY HYPOCALCEMIA; HYPOMAGNESEMIC TETANY. Identifiers: Orphanet 30924, MedGen C1865974, MONDO:0011176, OMIM 602014.

Allele frequency attached by ClinVar (database versions not stated): 1000 Genomes Project 30x 0.00062; 1000 Genomes Project 0.00100; gnomAD 0.00116 and 0.00118; TOPMed 0.00134.

Submission:

Illumina Laboratory Services, Illumina
Classification: Likely benign for Intestinal hypomagnesemia 1. Last evaluated: 2018-01-12. Review status: criteria provided, single submitter. Criteria: ICSL Variant Classification Criteria 13 December 2019. Collection method: clinical testing. Allele origin: germline.
Comment: This variant was observed in the ICSL laboratory as part of a predisposition screen in an ostensibly healthy population. It had not been previously curated by ICSL or reported in the Human Gene Mutation Database (HGMD: prior to June 1st, 2018), and was therefore a candidate for classification through an automated scoring system. Utilizing variant allele frequency, disease prevalence and penetrance estimates, and inheritance mode, an automated score was calculated to assess if this variant is too frequent to cause the disease. Based on the score and internal cut-off values, a variant classified as likely benign is not then subjected to further curation. The score for this variant resulted in a classification of likely benign for this disease.